The following is an entry in ClinVar:

NM_000261.2(MYOC):c.1009C>G (p.Gln337Glu)

Gene: MYOC (myocilin; minus strand). Cytogenetic location: 1q24.3.
Variant type: single nucleotide variant.
Coding change: c.1009C>G on transcript NM_000261.2 (MANE Select); coding-DNA position 1009, C replaced by G.
Protein change: p.Gln337Glu; replaces glutamine 337 with glutamic acid.
Molecular consequence: missense variant.
Genome position (GRCh38, 1-based): chr1:171,636,431, G>C on the plus strand (C>G on the coding strand, the complement: MYOC is on the minus strand). VCF-style: chr1-171636431-G-C. GRCh37 (hg19) VCF-style: chr1-171605571-G-C.
Other names: NM_000261.2:c.1009C>G; short protein forms Q337E.
Identifiers: ClinVar variation 2442274 (VCV002442274.2), dbSNP rs2527839373, ClinGen allele CA343725124.

ClinVar aggregate classification (germline): Uncertain significance (3 of 4 stars; one submission).

Conditions:
Open-angle glaucoma. Identifiers: MedGen C0017612, MONDO:0005338, HP:0012108.

Submission:

ClinGen Glaucoma Variant Curation Expert Panel
Classification: Uncertain significance for Open-angle glaucoma. Last evaluated: 2025-10-08. Review status: reviewed by expert panel. Criteria: ClinGen Glaucoma ACMG Specifications V2.0.0 Approved. Collection method: curation. Allele origin: germline. Inheritance: Autosomal dominant inheritance.
Comment: The c.1009C>G variant in MYOC is a missense variant predicted to cause substitution of Glutamine by Glutamic Acid at amino acid 337 (p.Gln337Glu). This variant was not found in any genetic ancestry group of gnomAD (v4.1.0), meeting the ≤ 0.0001 threshold set for PM2_Supporting in a genetic ancestry group of at least 10,000 alleles. The REVEL score = 0.728, which was within the 0.644-0.772 range for PP3, predicting a damaging effect on MYOC function. There was no functional evidence predicting a damaging or benign impact of this variant on MYOC function. Only 1 proband with primary open angle glaucoma had been reported (PMID: 10916185), not meeting the ≥ 2 probands threshold required to meet PS4_Supporting. In summary, this variant met the criteria to receive a score of 2 and to be classified as a variant of uncertain significance (uncertain significance classification range -1 to 5, adapted from PMID: 32720330) for primary open angle glaucoma based on the ACMG/AMP criteria met, as specified by the ClinGen Glaucoma VCEP (v2.0.0, 5 Dec 2024): PP3, PM2_Supporting.